The following is an entry in ClinVar:

NM_001042492.3(NF1):c.1586T>C (p.Leu529Pro)

Gene: NF1 (neurofibromin 1; plus strand). Cytogenetic location: 17q11.2.
Variant type: single nucleotide variant.
Coding change: c.1586T>C on transcript NM_001042492.3 (MANE Select); coding-DNA position 1586, T replaced by C.
Protein change: p.Leu529Pro; replaces leucine 529 with proline.
Molecular consequence: missense variant.
Genome position (GRCh38, 1-based): chr17:31,219,063, T>C. VCF-style: chr17-31219063-T-C. GRCh37 (hg19) VCF-style: chr17-29546081-T-C.
Other names: c.1586T>C, p.Leu529Pro (NM_000267.4, NM_001128147.3); short protein forms L529P.
Identifiers: ClinVar variation 1879367 (VCV001879367.35), dbSNP rs2143986529, ClinGen allele CA399001940.

ClinVar aggregate classification (germline): Pathogenic/Likely pathogenic. Review status: criteria provided, multiple submitters, no conflicts (2 of 4 stars). 4 submissions from 4 submitters: Pathogenic (1); Likely pathogenic (3). Last evaluated 2025-12-08.
ClinVar aggregate classification (somatic clinical impact): Tier I - Strong (1 of 4 stars; one submission).

Conditions:
Neurofibromatosis, type 1 (NF1). Also called: Neurofibromatosis, type I; VON RECKLINGHAUSEN DISEASE; NEUROFIBROMATOSIS, TYPE I, SOMATIC; Peripheral type neurofibromatosis. Identifiers: Orphanet 636, MedGen C0027831, MONDO:0018975, OMIM 162200. Disease mechanism: loss of function.
NF1-related disorder. Also called: NF1-related condition. Identifiers: MedGen CN379171.
Cardiovascular phenotype. Identifiers: MedGen CN230736.
Hereditary cancer-predisposing syndrome. Also called: Hereditary neoplastic syndrome; Tumor predisposition; Neoplastic Syndromes, Hereditary; Hereditary Cancer Syndrome. Identifiers: Orphanet 140162, MedGen C0027672, MeSH D009386, MONDO:0015356.
Embryonal rhabdomyosarcoma (ERMS). Also called: Botryoid rhabdomyosarcoma (type of ERMS); Spindle cell rhabdomyosarcomas (type of ERMS). Identifiers: Orphanet 99757, MedGen C0206656, MONDO:0009993, HP:0006743.

Submissions (5):

Labcorp Genetics (formerly Invitae), Labcorp
Classification: Pathogenic for Neurofibromatosis, type 1. Last evaluated: 2025-12-08. Review status: criteria provided, single submitter. Criteria: Invitae Variant Classification Sherloc (09022015). Collection method: clinical testing. Allele origin: germline.
Comment: This sequence change replaces leucine, which is neutral and non-polar, with proline, which is neutral and non-polar, at codon 529 of the NF1 protein (p.Leu529Pro). This variant is not present in population databases (gnomAD no frequency). This missense change has been observed in individual(s) with neurofibromatosis type 1 and/or NF1-related conditions (PMID: 31717729; internal data). ClinVar contains an entry for this variant (Variation ID: 1879367). Invitae Evidence Modeling of protein sequence and biophysical properties (such as structural, functional, and spatial information, amino acid conservation, physicochemical variation, residue mobility, and thermodynamic stability) indicates that this missense variant is expected to disrupt NF1 protein function with a positive predictive value of 95%. This variant disrupts the p.Leu529 amino acid residue in NF1. Other variant(s) that disrupt this residue have been determined to be pathogenic (PMID: 28961165; internal data). This suggests that this residue is clinically significant, and that variants that disrupt this residue are likely to be disease-causing. For these reasons, this variant has been classified as Pathogenic.

Ambry Genetics
Classification: Likely pathogenic for Cardiovascular phenotype; Hereditary cancer-predisposing syndrome. Last evaluated: 2025-01-20. Review status: criteria provided, single submitter. Criteria: Ambry Variant Classification Scheme 2023. Collection method: clinical testing. Allele origin: germline.
Comment: The p.L529P variant (also known as c.1586T>C), located in coding exon 14 of the NF1 gene, results from a T to C substitution at nucleotide position 1586. The leucine at codon 529 is replaced by proline, an amino acid with similar properties. This amino acid position is highly conserved in available vertebrate species. This variant was reported in individual(s) with features consistent with neurofibromatosis type 1 (NF1) (Ambry internal data; Yao R et al. Genes (Basel), 2019 Oct;10:; Coleman DM et al. Hum Mol Genet, 2022 Feb;31:334-346). Based on internal structural analysis, this variant is anticipated to result in a significant decrease in structural stability (Ambry internal data; Naschberger A et al. Nature, 2021 Nov;599:315-319). In addition, this alteration is predicted to be deleterious by in silico analysis. This variant is considered to be rare based on population cohorts in the Genome Aggregation Database (gnomAD). Based on the majority of available evidence to date, this variant is likely to be pathogenic.

Institute for Genomic Medicine (IGM) Clinical Laboratory, Nationwide Children's Hospital
Classification: Tier I - Strong for Embryonal rhabdomyosarcoma. Assertion type: diagnostic. Clinical significance: supports diagnosis. Last evaluated: 2023-06-13. Review status: criteria provided, single submitter. Criteria: AMP/ASCO/CAP Guidelines, 2017. Collection method: clinical testing. Allele origin: somatic. Affected: yes.
Comment: Variant has Tier I (strong) clinical significance as a diagnostic inclusion criterion in embryonal rhabdomyosarcoma, based on the following evidence: 1) Documented in one or more cancer databases (e.g., St. Jude Pecan, COSMIC, CIViC, OncoKB). 2) Appears in one or more well-established professional guidelines (e.g., World Health Organization [WHO]; National Comprehensive Cancer Network [NCCN]) as providing diagnostic, prognostic, or therapeutic information. 3) Diagnostic for a specific tumor type/classification based on well-powered studies with expert-level consensus (Evidence Level B; PMIDs: 34166060, 24436047, 26138366, 21412928).

CeGaT Center for Human Genetics Tuebingen
Classification: Likely pathogenic. Last evaluated: 2023-04-01. Review status: criteria provided, single submitter. Criteria: CeGaT Center For Human Genetics Tuebingen Variant Classification Criteria Version 2. Collection method: clinical testing. Allele origin: germline. Affected: yes. Observed: 1 variant allele.
Comment: NF1: PM2, PM6, PP3, PP4, PS4:Supporting

Blueprint Genetics
Classification: Likely pathogenic for NF1-related disorders. Last evaluated: 2020-10-16. Review status: criteria provided, single submitter. Criteria: ACMG Guidelines, 2015. Collection method: clinical testing. Allele origin: germline. Affected: yes. Observed: 1 variant allele.

Literature cited by the submitters: PubMed 31717729 (cited by Labcorp Genetics (formerly Invitae), Labcorp and Ambry Genetics); PubMed 28961165 (cited by Labcorp Genetics (formerly Invitae), Labcorp); PubMed 34476477 (cited by Ambry Genetics); PubMed 34707296 (cited by Ambry Genetics); PubMed 34166060 (cited by Institute for Genomic Medicine (IGM) Clinical Laboratory, Nationwide Children's Hospital); PubMed 24436047 (cited by Institute for Genomic Medicine (IGM) Clinical Laboratory, Nationwide Children's Hospital); PubMed 26138366 (cited by Institute for Genomic Medicine (IGM) Clinical Laboratory, Nationwide Children's Hospital); PubMed 21412928 (cited by Institute for Genomic Medicine (IGM) Clinical Laboratory, Nationwide Children's Hospital).